The following is an entry in ClinVar:

ClinVar aggregate classification (germline): Conflicting classifications of pathogenicity. Review status: criteria provided, conflicting classifications (1 of 4 stars). 4 submissions from 4 submitters: Pathogenic (1); Likely pathogenic (1); Uncertain significance (1). 1 of the submissions does not count toward it. Last evaluated 2025-02-14.

Conditions:
Alacrima, achalasia, and impaired intellectual development syndrome. Also called: Alacrima, achalasia, and mental retardation syndrome; Alacrima, achalasia, and intellectual disability syndrome. Identifiers: Orphanet 869, MedGen C4706563, MONDO:0014219, OMIM 615510.

Allele frequency attached by ClinVar (database versions not stated): gnomAD exomes below 0.00001.
gnomAD v4.1: 4 of 1,613,762 alleles (0.00025%); highest among the groups gnomAD compares: South Asian, 0.0044%; no homozygotes.

Submissions (4):

GeneDx
Classification: Pathogenic. Last evaluated: 2025-02-14. Review status: criteria provided, single submitter. Criteria: GeneDx Variant Classification Process June 2021. Collection method: clinical testing. Allele origin: germline. Affected: yes.
Comment: Published functional studies demonstrate that this variant damaged the inhibitory role of GMPPA on GMPPB by reducing their interaction (PMID: 33755596); Not observed at significant frequency in large population cohorts (gnomAD); In silico analysis supports that this missense variant has a deleterious effect on protein structure/function; This variant is associated with the following publications: (PMID: 28397838, 24035193, 33755596)

Revvity Omics, Revvity
Classification: Likely pathogenic for Alacrima, achalasia, and impaired intellectual development syndrome. Last evaluated: 2024-08-23. Review status: criteria provided, single submitter. Criteria: ACMG Guidelines, 2015. Collection method: clinical testing. Allele origin: germline.

Labcorp Genetics (formerly Invitae), Labcorp
Classification: Uncertain significance for Alacrima, achalasia, and impaired intellectual development syndrome. Last evaluated: 2024-02-08. Review status: criteria provided, single submitter. Criteria: Invitae Variant Classification Sherloc (09022015). Collection method: clinical testing. Allele origin: germline.
Comment: This sequence change replaces glycine, which is neutral and non-polar, with aspartic acid, which is acidic and polar, at codon 182 of the GMPPA protein (p.Gly182Asp). This variant is not present in population databases (gnomAD no frequency). This missense change has been observed in individual(s) with GMPPA-related conditions (PMID: 24035193). ClinVar contains an entry for this variant (Variation ID: 88693). Advanced modeling of protein sequence and biophysical properties (such as structural, functional, and spatial information, amino acid conservation, physicochemical variation, residue mobility, and thermodynamic stability) performed at Invitae indicates that this missense variant is expected to disrupt GMPPA protein function with a positive predictive value of 80%. Experimental studies have shown that this missense change affects GMPPA function (PMID: 24035193). In summary, the available evidence is currently insufficient to determine the role of this variant in disease. Therefore, it has been classified as a Variant of Uncertain Significance.

OMIM
Classification: Pathogenic for ALACRIMA, ACHALASIA, AND IMPAIRED INTELLECTUAL DEVELOPMENT SYNDROME. Last evaluated: 2013-10-03. Review status: no assertion criteria provided. Collection method: literature only. Allele origin: germline. Not counted in ClinVar's aggregate classification.

Literature cited by the submitters: PubMed 24035193 (cited by Labcorp Genetics (formerly Invitae), Labcorp and OMIM).

NM_013335.4(GMPPA):c.545G>A (p.Gly182Asp)

Genes: ASIC4-AS1 (ASIC4 antisense RNA 1; minus strand), GMPPA (GDP-mannose pyrophosphorylase A; plus strand). Cytogenetic location: 2q35.
Variant type: single nucleotide variant.
Coding change: c.545G>A on transcript NM_013335.4 (MANE Select); coding-DNA position 545, G replaced by A.
Protein change: p.Gly182Asp; replaces glycine 182 with aspartic acid.
Molecular consequence: missense variant.
Genome position (GRCh38, 1-based): chr2:219,504,138, G>A. VCF-style: chr2-219504138-G-A. GRCh37 (hg19) VCF-style: chr2-220368860-G-A.
Other names: c.545G>A, p.Gly182Asp (NM_205847.3); c.545G>A (NM_205847.2); short protein forms G182D.
Identifiers: ClinVar variation 88693 (VCV000088693.8), dbSNP rs397518462, ClinGen allele CA145303.